The following is an entry in ClinVar:

ClinVar aggregate classification (germline): Uncertain significance (1 of 4 stars; one submission).

Conditions:
Autoimmune lymphoproliferative syndrome, type III caused by mutation in PRKCD. Identifiers: Orphanet 3261, Orphanet 664711, MedGen C3809928, MONDO:8000024, OMIM 615559.

Submission:

Labcorp Genetics (formerly Invitae), Labcorp
Classification: Uncertain significance for Autoimmune lymphoproliferative syndrome, type III caused by mutation in PRKCD. Last evaluated: 2022-04-30. Review status: criteria provided, single submitter. Criteria: Invitae Variant Classification Sherloc (09022015). Collection method: clinical testing. Allele origin: germline.
Comment: This sequence change replaces lysine, which is basic and polar, with asparagine, which is neutral and polar, at codon 47 of the PRKCD protein (p.Lys47Asn). This variant is not present in population databases (gnomAD no frequency). This variant has not been reported in the literature in individuals affected with PRKCD-related conditions. Algorithms developed to predict the effect of missense changes on protein structure and function are either unavailable or do not agree on the potential impact of this missense change (SIFT: "Deleterious"; PolyPhen-2: "Benign"; Align-GVGD: "Class C0"). In summary, the available evidence is currently insufficient to determine the role of this variant in disease. Therefore, it has been classified as a Variant of Uncertain Significance.

NM_006254.4(PRKCD):c.141G>C (p.Lys47Asn)

Gene: PRKCD (protein kinase C delta; plus strand). Cytogenetic location: 3p21.1.
Variant type: single nucleotide variant.
Coding change: c.141G>C on transcript NM_006254.4 (MANE Select); coding-DNA position 141, G replaced by C.
Protein change: p.Lys47Asn; replaces lysine 47 with asparagine.
Molecular consequence: missense variant.
Genome position (GRCh38, 1-based): chr3:53,179,602, G>C. VCF-style: chr3-53179602-G-C. GRCh37 (hg19) VCF-style: chr3-53213618-G-C.
Other names: c.198G>C, p.Lys66Asn (NM_001354676.2); c.189G>C, p.Lys63Asn (NM_001354678.2); c.141G>C, p.Lys47Asn (NM_001354679.2, NM_001354680.2, NM_212539.2 and 1 more transcripts); short protein forms K63N, K66N, K47N.
Identifiers: ClinVar variation 2132223 (VCV002132223.4), dbSNP rs2471079943, ClinGen allele CA353233054.
Genomic context (GRCh38, chr3:53,179,602, plus strand): 5'-CATGGCCCAACCTTCTCTGCCTGGCCTTGTTGCAGAGCGTGGGAAAACACTGGTGCAGAA[G>C]AAGCCGACCATGTATCCTGAGTGGAAGTCGACGTTCGATGCCCACATCTATGAGGGGCGC-3'
Protein context (NP_006245.2, residues 37-57): STERGKTLVQ[Lys47Asn]KPTMYPEWKS